The following is an entry in ClinVar:

NM_032737.4(LMNB2):c.1681C>T (p.Arg561Cys)

Gene: LMNB2 (lamin B2; minus strand). Cytogenetic location: 19p13.3.
Variant type: single nucleotide variant.
Coding change: c.1681C>T on transcript NM_032737.4 (MANE Select); coding-DNA position 1681, C replaced by T.
Protein change: p.Arg561Cys; replaces arginine 561 with cysteine.
Molecular consequence: missense variant.
Genome position (GRCh38, 1-based): chr19:2,431,812, G>A on the plus strand (C>T on the coding strand, the complement: LMNB2 is on the minus strand). VCF-style: chr19-2431812-G-A. GRCh37 (hg19) VCF-style: chr19-2431810-G-A.
Other names: short protein forms R561C.
Identifiers: ClinVar variation 644067 (VCV000644067.10), dbSNP rs751633226, ClinGen allele CA9067379.

ClinVar aggregate classification (germline): Benign. Review status: criteria provided, single submitter (1 of 4 stars). 2 submissions from 2 submitters: Benign (1). 1 of the submissions does not count toward it. Last evaluated 2025-12-26.

Conditions:
Lipodystrophy, partial, acquired, susceptibility to (APLD). Also called: APLD, SUSCEPTIBILITY TO. Identifiers: MedGen C3887501, MONDO:0100476, OMIM 608709.
Progressive myoclonic epilepsy type 9. Identifiers: Orphanet 457265, MedGen C4225289, MONDO:0014685, OMIM 616540.
LMNB2-related disorder. Also called: LMNB2-related condition.

Allele frequency attached by ClinVar (database versions not stated): gnomAD exomes 0.00008 and 0.00014; gnomAD 0.00018; TOPMed 0.00015; ExAC 0.00016.
gnomAD v4.1: 141 of 1,613,660 alleles (0.0087%); highest among the groups gnomAD compares: Middle Eastern, 0.033%; no homozygotes.

Submissions (2):

Labcorp Genetics (formerly Invitae), Labcorp
Classification: Benign for Progressive myoclonic epilepsy type 9; Lipodystrophy, partial, acquired, susceptibility to. Last evaluated: 2025-12-26. Review status: criteria provided, single submitter. Criteria: Invitae Variant Classification Sherloc (09022015). Collection method: clinical testing. Allele origin: germline.

PreventionGenetics, part of Exact Sciences
Classification: Uncertain significance for LMNB2-related condition. Last evaluated: 2024-07-29. Review status: no assertion criteria provided. Collection method: clinical testing. Allele origin: germline. Not counted in ClinVar's aggregate classification.
Comment: The LMNB2 c.1681C>T variant is predicted to result in the amino acid substitution p.Arg561Cys. This variant was reported in a at least one individual with a developmental disorder (Supplementary Table 1, Kaplanis et al. 2020. PubMed ID: 33057194; Supplementary Data 3, Zhou et al. 2022. PubMed ID: 35982159). This variant is reported in 0.036% of alleles in individuals of African descent in gnomAD. At this time, the clinical significance of this variant is uncertain due to the absence of conclusive functional and genetic evidence.